The following is an entry in ClinVar:

NM_182746.3(MCM4):c.2020G>A (p.Glu674Lys)

Gene: MCM4 (minichromosome maintenance complex component 4; plus strand). Cytogenetic location: 8q11.21.
Variant type: single nucleotide variant.
Coding change: c.2020G>A on transcript NM_182746.3 (MANE Select); coding-DNA position 2020, G replaced by A.
Protein change: p.Glu674Lys; replaces glutamic acid 674 with lysine.
Molecular consequence: missense variant.
Genome position (GRCh38, 1-based): chr8:47,972,948, G>A. VCF-style: chr8-47972948-G-A. GRCh37 (hg19) VCF-style: chr8-48885508-G-A.
Other names: c.2020G>A, p.Glu674Lys (NM_005914.4); short protein forms E674K.
Identifiers: ClinVar variation 992551 (VCV000992551.2), dbSNP rs748923159, ClinGen allele CA4742774.

ClinVar aggregate classification (germline): Uncertain significance (1 of 4 stars; one submission).

Conditions:
Primary immunodeficiency with natural-killer cell deficiency and adrenal insufficiency (IMD54). Also called: Natural killer cell and glucocorticoid deficiency with DNA repair defect; IMMUNODEFICIENCY 54. Identifiers: Orphanet 75391, MedGen C1864947, MONDO:0012383, OMIM 609981.

Allele frequency attached by ClinVar (database versions not stated): gnomAD exomes 0.00001; TOPMed 0.00001; gnomAD 0.00001; ExAC 0.00002.
gnomAD v4.1: 10 of 1,614,066 alleles (0.00062%); highest among the groups gnomAD compares: African/African-American, 0.0027%; no homozygotes.

Submission:

Center for Genomics, Ann and Robert H. Lurie Children's Hospital of Chicago
Classification: Uncertain significance for Primary immunodeficiency with natural-killer cell deficiency and adrenal insufficiency. Last evaluated: 2021-03-30. Review status: criteria provided, single submitter. Criteria: ACMG Guidelines, 2015. Collection method: clinical testing. Allele origin: germline.
Comment: MCM4 NM_005914.3 exon13 p.Glu674Lys (c.2020G>A): This variant has not been reported in the literature but is present in 0.001% (2/113684) of European alleles in the Genome Aggregation Database. Evolutionary conservation for this variant is unclear; computational predictive tools suggest that this variant may not impact the protein. In summary, data on this variant is insufficient for disease classification. Therefore, the clinical significance of this variant is uncertain.